The following is an entry in ClinVar:

ClinVar aggregate classification (germline): Uncertain significance (1 of 4 stars; one submission).

Conditions:
Inborn genetic diseases. Identifiers: MedGen C0950123, MeSH D030342.

Submission:

Ambry Genetics
Classification: Uncertain significance for Inborn genetic diseases. Last evaluated: 2024-12-20. Review status: criteria provided, single submitter. Criteria: Ambry Variant Classification Scheme 2023. Collection method: clinical testing. Allele origin: germline.
Comment: The p.V378G variant (also known as c.1133T>G), located in coding exon 5 of the SH2B3 gene, results from a T to G substitution at nucleotide position 1133. The valine at codon 378 is replaced by glycine, an amino acid with dissimilar properties. This amino acid position is conserved. In addition, this alteration is predicted to be deleterious by in silico analysis. Based on the available evidence, the clinical significance of this variant remains unclear.

NM_005475.3(SH2B3):c.1133T>G (p.Val378Gly)

Gene: SH2B3 (SH2B adaptor protein 3; plus strand). Cytogenetic location: 12q24.12.
Variant type: single nucleotide variant.
Coding change: c.1133T>G on transcript NM_005475.3 (MANE Select); coding-DNA position 1133, T replaced by G.
Protein change: p.Val378Gly; replaces valine 378 with glycine.
Molecular consequence: missense variant.
Genome position (GRCh38, 1-based): chr12:111,447,441, T>G. VCF-style: chr12-111447441-T-G. GRCh37 (hg19) VCF-style: chr12-111885245-T-G.
Other names: c.527T>G, p.Val176Gly (NM_001291424.1); short protein forms V176G, V378G.
Identifiers: ClinVar variation 3795014 (VCV003795014.1).